The following is an entry in ClinVar:

NM_015057.5(MYCBP2):c.9517G>A (p.Ala3173Thr)

Gene: MYCBP2 (MYC binding protein 2; minus strand). Cytogenetic location: 13q22.3.
Variant type: single nucleotide variant.
Coding change: c.9517G>A on transcript NM_015057.5 (MANE Select); coding-DNA position 9517, G replaced by A.
Protein change: p.Ala3173Thr; replaces alanine 3173 with threonine.
Molecular consequence: missense variant.
Genome position (GRCh38, 1-based): chr13:77,097,637, C>T on the plus strand (G>A on the coding strand, the complement: MYCBP2 is on the minus strand). VCF-style: chr13-77097637-C-T. GRCh37 (hg19) VCF-style: chr13-77671772-C-T.
Other names: short protein forms A3173T.
Identifiers: ClinVar variation 4860517 (VCV004860517.1).

ClinVar aggregate classification (germline): Uncertain significance (1 of 4 stars; one submission).

Conditions:
Inborn genetic diseases. Identifiers: MedGen C0950123, MeSH D030342.

Submission:

Ambry Genetics
Classification: Uncertain significance for Inborn genetic diseases. Last evaluated: 2026-06-03. Review status: criteria provided, single submitter. Criteria: Ambry Variant Classification Scheme 2023. Collection method: clinical testing. Allele origin: germline.
Comment: The c.9517G>A (p.A3173T) alteration is located in exon 56 (coding exon 56) of the MYCBP2 gene. This alteration results from a G to A substitution at nucleotide position 9517, causing the alanine (A) at amino acid position 3173 to be replaced by a threonine (T). This variant was not reported in population-based cohorts in the Genome Aggregation Database (gnomAD). This amino acid position is highly conserved in available vertebrate species. The in silico prediction for this alteration is inconclusive. Based on insufficient or conflicting evidence, the clinical significance of this alteration remains unclear.